The following is an entry in ClinVar:

ClinVar aggregate classification (germline): Uncertain significance (1 of 4 stars; one submission).

Conditions:
Hereditary cancer-predisposing syndrome. Also called: Neoplastic Syndromes, Hereditary; Tumor predisposition; Hereditary Cancer Syndrome; Hereditary neoplastic syndrome. Identifiers: Orphanet 140162, MedGen C0027672, MeSH D009386, MONDO:0015356.
Cardiovascular phenotype. Identifiers: MedGen CN230736.

Submission:

Ambry Genetics
Classification: Uncertain significance for Cardiovascular phenotype; Hereditary cancer-predisposing syndrome. Last evaluated: 2020-12-18. Review status: criteria provided, single submitter. Criteria: Ambry Variant Classification Scheme 2023. Collection method: clinical testing. Allele origin: germline.
Comment: The p.D2591N variant (also known as c.7771G>A), located in coding exon 52 of the NF1 gene, results from a G to A substitution at nucleotide position 7771. The aspartic acid at codon 2591 is replaced by asparagine, an amino acid with highly similar properties. This amino acid position is highly conserved in available vertebrate species. In addition, this alteration is predicted to be tolerated by in silico analysis. Since supporting evidence is limited at this time, the clinical significance of this alteration remains unclear.

NM_001042492.3(NF1):c.7834G>A (p.Asp2612Asn)

Gene: NF1 (neurofibromin 1; plus strand). Cytogenetic location: 17q11.2.
Variant type: single nucleotide variant.
Coding change: c.7834G>A on transcript NM_001042492.3 (MANE Select); coding-DNA position 7834, G replaced by A.
Protein change: p.Asp2612Asn; replaces aspartic acid 2612 with asparagine.
Molecular consequence: missense variant.
Genome position (GRCh38, 1-based): chr17:31,357,055, G>A. VCF-style: chr17-31357055-G-A. GRCh37 (hg19) VCF-style: chr17-29684073-G-A.
Other names: c.7771G>A, p.Asp2591Asn (NM_000267.4); short protein forms D2591N, D2612N.
Identifiers: ClinVar variation 1760553 (VCV001760553.2), dbSNP rs2151582450, ClinGen allele CA399018612.
Genomic context (GRCh38, chr17:31,357,055, plus strand): 5'-CATTTACGTAAAGTTTCAGTGTCTGAATCAAATGTTCTCTTGGATGAAGAAGTACTTACT[G>A]ATCCGAAGATCCAGGCGCTGCTTCTTACTGTTCTAGTAAGGATTTCCCCTTTTTGAGTCC-3'
Protein context (NP_001035957.1, residues 2602-2622): NVLLDEEVLT[Asp2612Asn]PKIQALLLTV